The following is an entry in ClinVar:

ClinVar aggregate classification (germline): Uncertain significance (1 of 4 stars; one submission).

Allele frequency attached by ClinVar (database versions not stated): gnomAD exomes 0.00001 and 0.00002; TOPMed 0.00002.
gnomAD v4.1: 7 of 1,614,132 alleles (0.00043%); highest among the groups gnomAD compares: Admixed American, 0.0083%; no homozygotes.

Submission:

Labcorp Genetics (formerly Invitae), Labcorp
Classification: Uncertain significance. Last evaluated: 2022-10-24. Review status: criteria provided, single submitter. Criteria: Invitae Variant Classification Sherloc (09022015). Collection method: clinical testing. Allele origin: germline.
Comment: This sequence change replaces valine, which is neutral and non-polar, with alanine, which is neutral and non-polar, at codon 1774 of the ABCA4 protein (p.Val1774Ala). This variant is present in population databases (no rsID available, gnomAD 0.01%). This variant has not been reported in the literature in individuals affected with ABCA4-related conditions. ClinVar contains an entry for this variant (Variation ID: 1477264). Advanced modeling of protein sequence and biophysical properties (such as structural, functional, and spatial information, amino acid conservation, physicochemical variation, residue mobility, and thermodynamic stability) has been performed at Invitae for this missense variant, however the output from this modeling did not meet the statistical confidence thresholds required to predict the impact of this variant on ABCA4 protein function. In summary, the available evidence is currently insufficient to determine the role of this variant in disease. Therefore, it has been classified as a Variant of Uncertain Significance.

NM_000350.3(ABCA4):c.5321T>C (p.Val1774Ala)

Gene: ABCA4 (ATP binding cassette subfamily A member 4; minus strand). Cytogenetic location: 1p22.1.
Variant type: single nucleotide variant.
Coding change: c.5321T>C on transcript NM_000350.3 (MANE Select); coding-DNA position 5321, T replaced by C.
Protein change: p.Val1774Ala; replaces valine 1774 with alanine.
Molecular consequence: missense variant.
Genome position (GRCh38, 1-based): chr1:94,014,682, A>G on the plus strand (T>C on the coding strand, the complement: ABCA4 is on the minus strand). VCF-style: chr1-94014682-A-G. GRCh37 (hg19) VCF-style: chr1-94480238-A-G.
Other names: c.5099T>C, p.Val1700Ala (NM_001425324.1); short protein forms V1774A, V1700A.
Identifiers: ClinVar variation 1477264 (VCV001477264.5), dbSNP rs927897822, ClinGen allele CA26842140.